The following is an entry in ClinVar:

ClinVar aggregate classification (germline): Uncertain significance (1 of 4 stars; one submission).

Allele frequency attached by ClinVar (database versions not stated): ExAC 0.00001; ESP Exome Variant Server 0.00008.
gnomAD v4.1: 74 of 1,613,762 alleles (0.0046%); highest among the groups gnomAD compares: Non-Finnish European, 0.0058%; no homozygotes.

Submission:

Labcorp Genetics (formerly Invitae), Labcorp
Classification: Uncertain significance. Last evaluated: 2022-07-05. Review status: criteria provided, single submitter. Criteria: Invitae Variant Classification Sherloc (09022015). Collection method: clinical testing. Allele origin: germline.
Comment: This sequence change replaces alanine, which is neutral and non-polar, with serine, which is neutral and polar, at codon 224 of the CYP27B1 protein (p.Ala224Ser). This variant is present in population databases (rs367743385, gnomAD 0.005%). This variant has not been reported in the literature in individuals affected with CYP27B1-related conditions. Advanced modeling of protein sequence and biophysical properties (such as structural, functional, and spatial information, amino acid conservation, physicochemical variation, residue mobility, and thermodynamic stability) performed at Invitae indicates that this missense variant is not expected to disrupt CYP27B1 protein function. In summary, the available evidence is currently insufficient to determine the role of this variant in disease. Therefore, it has been classified as a Variant of Uncertain Significance.

NM_000785.4(CYP27B1):c.670G>T (p.Ala224Ser)

Gene: CYP27B1 (cytochrome P450 family 27 subfamily B member 1; minus strand). Cytogenetic location: 12q14.1.
Variant type: single nucleotide variant.
Coding change: c.670G>T on transcript NM_000785.4 (MANE Select); coding-DNA position 670, G replaced by T.
Protein change: p.Ala224Ser; replaces alanine 224 with serine.
Molecular consequence: missense variant.
Genome position (GRCh38, 1-based): chr12:57,765,131, C>A on the plus strand (G>T on the coding strand, the complement: CYP27B1 is on the minus strand). VCF-style: chr12-57765131-C-A. GRCh37 (hg19) VCF-style: chr12-58158914-C-A.
Other names: short protein forms A224S.
Identifiers: ClinVar variation 2184699 (VCV002184699.1), dbSNP rs367743385, ClinGen allele CA6658358.